The following is an entry in ClinVar:

ClinVar aggregate classification (germline): Uncertain significance. Review status: criteria provided, multiple submitters, no conflicts (2 of 4 stars). 2 submissions from 2 submitters: Uncertain significance (2). Last evaluated 2022-05-31.

Allele frequency attached by ClinVar (database versions not stated): ESP Exome Variant Server 0.00008; gnomAD exomes 0.00009; ExAC 0.00010; gnomAD 0.00011; TOPMed 0.00012; 1000 Genomes Project 0.00020; 1000 Genomes Project 30x 0.00031.
gnomAD v4.1: 140 of 1,614,208 alleles (0.0087%); highest among the groups gnomAD compares: Admixed American, 0.035%; no homozygotes.

Submissions (2):

Labcorp Genetics (formerly Invitae), Labcorp
Classification: Uncertain significance. Last evaluated: 2022-05-31. Review status: criteria provided, single submitter. Criteria: Invitae Variant Classification Sherloc (09022015). Collection method: clinical testing. Allele origin: germline.
Comment: This sequence change replaces glycine, which is neutral and non-polar, with serine, which is neutral and polar, at codon 390 of the KRT85 protein (p.Gly390Ser). This variant is present in population databases (rs184848860, gnomAD 0.04%). This variant has not been reported in the literature in individuals affected with KRT85-related conditions. Advanced modeling of protein sequence and biophysical properties (such as structural, functional, and spatial information, amino acid conservation, physicochemical variation, residue mobility, and thermodynamic stability) performed at Invitae indicates that this missense variant is not expected to disrupt KRT85 protein function. In summary, the available evidence is currently insufficient to determine the role of this variant in disease. Therefore, it has been classified as a Variant of Uncertain Significance.

Ambry Genetics
Classification: Uncertain significance. Last evaluated: 2021-09-16. Review status: criteria provided, single submitter. Criteria: Ambry Variant Classification Scheme 2023. Collection method: clinical testing. Allele origin: germline.

NM_002283.4(KRT85):c.1168G>A (p.Gly390Ser)

Gene: KRT85 (keratin 85; minus strand). Cytogenetic location: 12q13.13.
Variant type: single nucleotide variant.
Coding change: c.1168G>A on transcript NM_002283.4 (MANE Select); coding-DNA position 1168, G replaced by A.
Protein change: p.Gly390Ser; replaces glycine 390 with serine.
Molecular consequence: missense variant.
Genome position (GRCh38, 1-based): chr12:52,362,381, C>T on the plus strand (G>A on the coding strand, the complement: KRT85 is on the minus strand). VCF-style: chr12-52362381-C-T. GRCh37 (hg19) VCF-style: chr12-52756165-C-T.
Other names: c.532G>A, p.Gly178Ser (NM_001300810.1); c.1168G>A (NM_002283.3); short protein forms G178S, G390S.
Identifiers: ClinVar variation 2162820 (VCV002162820.2), dbSNP rs184848860, ClinGen allele CA6577989.